The following is an entry in ClinVar:

NM_001353803.2(ZNF875):c.257-2460G>A

Gene: ZNF875 (zinc finger protein 875; plus strand). Cytogenetic location: 19q13.12.
Variant type: single nucleotide variant.
Coding change: c.257-2460G>A on transcript NM_001353803.2 (MANE Select); 2460 bases into the intron before coding-DNA position 257, G replaced by A.
Molecular consequence: intron variant. On other transcripts: synonymous variant (1).
Genome position (GRCh38, 1-based): chr19:37,359,649, G>A. VCF-style: chr19-37359649-G-A. GRCh37 (hg19) VCF-style: chr19-37850551-G-A.
Other names: c.480G>A, p.Pro160= (NM_001353804.2); c.239-2457G>A (NM_001329765.2, NM_001329766.2); c.239-2460G>A (NM_001329767.2); c.197-2457G>A (NM_001329770.2); c.257-2460G>A (NM_001329763.2, NM_001329764.2); c.131-2457G>A (NM_001329771.2, NM_001329772.2, NM_001329773.2); c.131-2460G>A (NM_001329774.2, NM_001329775.2, NM_001329777.2 and 2 more transcripts); c.314-2460G>A (NM_181786.4); and 4 more.
Identifiers: ClinVar variation 2672760 (VCV002672760.23), dbSNP rs760805266, ClinGen allele CA307958550.
Genomic context (GRCh38, chr19:37,359,649, plus strand): 5'-AGACGGGGTTTCACCATGTTGGCCAGGATGGTCTCAATCTCCTGACCTTGTGATCCACCC[G>A]CCTCAGCCTCCCAAAGTGCTGGGATTACAGGCATGAGCCACCATGCCTGGCCCTTTTCAT-3'

ClinVar aggregate classification (germline): Likely benign (1 of 4 stars; one submission).

Allele frequency attached by ClinVar (database versions not stated): gnomAD exomes 0.00002; gnomAD 0.00004; 1000 Genomes Project 30x 0.00031.
gnomAD v4.1: 7 of 196,016 alleles (0.0036%); highest among the groups gnomAD compares: East Asian, 0.039%; no homozygotes.

Submission:

CeGaT Center for Human Genetics Tuebingen
Classification: Likely benign. Last evaluated: 2025-04-01. Review status: criteria provided, single submitter. Criteria: CeGaT Center For Human Genetics Tuebingen Variant Classification Criteria Version 2. Collection method: clinical testing. Allele origin: germline. Affected: yes. Observed: 2 variant alleles.
Comment: ZNF875: BP4, BP7